The following is an entry in ClinVar:

NM_007254.4(PNKP):c.1127-1_1127delinsAA

Gene: PNKP (polynucleotide kinase 3'-phosphatase; minus strand). Cytogenetic location: 19q13.33.
Variant type: Indel.
Coding change: c.1127-1_1127delinsAA on transcript NM_007254.4 (MANE Select); the canonical splice acceptor site of the intron before coding-DNA position 1127 through coding-DNA position 1127, GC replaced by AA.
Molecular consequence: splice acceptor variant.
Genome position (GRCh38, 1-based): chr19:49,862,105-49,862,106, GC replaced by TT on the plus strand (GC replaced by AA on the coding strand, the reverse complement: PNKP is on the minus strand). VCF-style: chr19-49862105-GC-TT. GRCh37 (hg19) VCF-style: chr19-50365362-GC-TT.
Identifiers: ClinVar variation 1687654 (VCV001687654.4), dbSNP rs2122324210, ClinGen allele CA2573156614.

ClinVar aggregate classification (germline): Likely pathogenic. Review status: criteria provided, multiple submitters, no conflicts (2 of 4 stars). 2 submissions from 2 submitters: Likely pathogenic (2). Last evaluated 2025-05-27.

Conditions:
Developmental and epileptic encephalopathy, 12 (DEE12). Identifiers: MedGen C3150988, MONDO:0013389, OMIM 613722.

Submissions (2):

Labcorp Genetics (formerly Invitae), Labcorp
Classification: Likely pathogenic for Developmental and epileptic encephalopathy, 12. Last evaluated: 2025-05-27. Review status: criteria provided, single submitter. Criteria: Invitae Variant Classification Sherloc (09022015). Collection method: clinical testing. Allele origin: germline.
Comment: This sequence change affects a splice site in intron 12 of the PNKP gene. It is expected to disrupt RNA splicing. Variants that disrupt the donor or acceptor splice site typically lead to a loss of protein function (PMID: 16199547), and loss-of-function variants in PNKP are known to be pathogenic (PMID: 20118933, 25728773). Information on the frequency of this variant in the gnomAD database is not available, as this variant may be reported differently in the database. This variant has not been reported in the literature in individuals affected with PNKP-related conditions. ClinVar contains an entry for this variant (Variation ID: 1687654). In summary, the currently available evidence indicates that the variant is pathogenic, but additional data are needed to prove that conclusively. Therefore, this variant has been classified as Likely Pathogenic.

GeneDx
Classification: Likely pathogenic. Last evaluated: 2023-01-05. Review status: criteria provided, single submitter. Criteria: GeneDx Variant Classification Process June 2021. Collection method: clinical testing. Allele origin: germline. Affected: yes.
Comment: Canonical splice site variant predicted to result in a null allele in a gene for which loss of function is a known mechanism of disease; Not observed at significant frequency in large population cohorts (gnomAD); Has not been previously published as pathogenic or benign to our knowledge

Literature cited by the submitters: PubMed 16199547 (cited by Labcorp Genetics (formerly Invitae), Labcorp); PubMed 20118933 (cited by Labcorp Genetics (formerly Invitae), Labcorp); PubMed 25728773 (cited by Labcorp Genetics (formerly Invitae), Labcorp).